The following is an entry in ClinVar:

NM_000814.6(GABRB3):c.1127A>C (p.Asn376Thr)

Gene: GABRB3 (gamma-aminobutyric acid type A receptor subunit beta3; minus strand). Cytogenetic location: 15q12.
Variant type: single nucleotide variant.
Coding change: c.1127A>C on transcript NM_000814.6 (MANE Select); coding-DNA position 1127, A replaced by C.
Protein change: p.Asn376Thr; replaces asparagine 376 with threonine.
Molecular consequence: missense variant.
Genome position (GRCh38, 1-based): chr15:26,548,088, T>G on the plus strand (A>C on the coding strand, the complement: GABRB3 is on the minus strand). VCF-style: chr15-26548088-T-G. GRCh37 (hg19) VCF-style: chr15-26793235-T-G.
Other names: c.872A>C, p.Asn291Thr (NM_001191320.2, NM_001278631.2); c.914A>C, p.Asn305Thr (NM_001191321.3); c.1127A>C, p.Asn376Thr (NM_021912.5); short protein forms N291T, N305T, N376T.
Identifiers: ClinVar variation 1376669 (VCV001376669.8), dbSNP rs756866953, ClinGen allele CA391459349.

ClinVar aggregate classification (germline): Uncertain significance (1 of 4 stars; one submission).

Conditions:
Epilepsy, childhood absence, susceptibility to, 5. Identifiers: Orphanet 64280, MedGen C2677087, MONDO:0012843, OMIM 612269.
Epilepsy, childhood absence, susceptibility to, 1. Also called: Epilepsy, childhood absence 1. Identifiers: Orphanet 64280, MedGen C1838604, MONDO:0020759, OMIM 600131.

gnomAD v4.1: 1 of 1,614,214 alleles (0.000062%); no homozygotes.

Submission:

Labcorp Genetics (formerly Invitae), Labcorp
Classification: Uncertain significance for Epilepsy, childhood absence, susceptibility to, 5; Epilepsy, childhood absence, susceptibility to, 1. Last evaluated: 2025-09-10. Review status: criteria provided, single submitter. Criteria: Invitae Variant Classification Sherloc (09022015). Collection method: clinical testing. Allele origin: germline.
Comment: This sequence change replaces asparagine, which is neutral and polar, with threonine, which is neutral and polar, at codon 376 of the GABRB3 protein (p.Asn376Thr). This variant is present in population databases (no rsID available, gnomAD no frequency). This variant has not been reported in the literature in individuals affected with GABRB3-related conditions. ClinVar contains an entry for this variant (Variation ID: 1376669). Invitae Evidence Modeling of protein sequence and biophysical properties (such as structural, functional, and spatial information, amino acid conservation, physicochemical variation, residue mobility, and thermodynamic stability) indicates that this missense variant is not expected to disrupt GABRB3 protein function with a negative predictive value of 95%. In summary, the available evidence is currently insufficient to determine the role of this variant in disease. Therefore, it has been classified as a Variant of Uncertain Significance.